The following is an entry in ClinVar:

NM_014989.7(RIMS1):c.227A>T (p.Gln76Leu)

Gene: RIMS1 (regulating synaptic membrane exocytosis 1; plus strand). Cytogenetic location: 6q13.
Variant type: single nucleotide variant.
Coding change: c.227A>T on transcript NM_014989.7 (MANE Select); coding-DNA position 227, A replaced by T.
Protein change: p.Gln76Leu; replaces glutamine 76 with leucine.
Molecular consequence: missense variant. On other transcripts: intron variant (1).
Genome position (GRCh38, 1-based): chr6:71,969,045, A>T. VCF-style: chr6-71969045-A-T. GRCh37 (hg19) VCF-style: chr6-72678748-A-T.
Other names: c.227A>T, p.Gln76Leu (NM_001350411.1, NM_001350413.1); c.164+81858A>T (NM_001350412.1); short protein forms Q76L.
Identifiers: ClinVar variation 1001681 (VCV001001681.10), dbSNP rs753365349, ClinGen allele CA364818155.

ClinVar aggregate classification (germline): Uncertain significance. Review status: criteria provided, multiple submitters, no conflicts (2 of 4 stars). 2 submissions from 2 submitters: Uncertain significance (2). Last evaluated 2022-06-16.

gnomAD v4.1: 1 of 1,614,040 alleles (0.000062%); highest among the groups gnomAD compares: Non-Finnish European, 0.000085%; no homozygotes.

Submissions (2):

Blueprint Genetics
Classification: Uncertain significance. Last evaluated: 2022-06-16. Review status: criteria provided, single submitter. Criteria: ACMG Guidelines, 2015. Collection method: clinical testing. Allele origin: germline.

Labcorp Genetics (formerly Invitae), Labcorp
Classification: Uncertain significance. Last evaluated: 2020-02-07. Review status: criteria provided, single submitter. Criteria: Invitae Variant Classification Sherloc (09022015). Collection method: clinical testing. Allele origin: germline.
Comment: In summary, the available evidence is currently insufficient to determine the role of this variant in disease. Therefore, it has been classified as a Variant of Uncertain Significance. Algorithms developed to predict the effect of missense changes on protein structure and function are either unavailable or do not agree on the potential impact of this missense change (SIFT: "Deleterious"; PolyPhen-2: "Possibly Damaging"; Align-GVGD: "Class C0"). This variant has not been reported in the literature in individuals with RIMS1-related conditions. This variant is not present in population databases (ExAC no frequency). This sequence change replaces glutamine with leucine at codon 76 of the RIMS1 protein (p.Gln76Leu). The glutamine residue is weakly conserved and there is a moderate physicochemical difference between glutamine and leucine.